The following is an entry in ClinVar:

NM_000059.4(BRCA2):c.5662A>G (p.Lys1888Glu)

Gene: BRCA2 (BRCA2 DNA repair associated; plus strand). Cytogenetic location: 13q13.1.
Variant type: single nucleotide variant.
Coding change: c.5662A>G on transcript NM_000059.4 (MANE Select); coding-DNA position 5662, A replaced by G.
Protein change: p.Lys1888Glu; replaces lysine 1888 with glutamic acid.
Molecular consequence: missense variant. On other transcripts: non-coding transcript variant (1), intron variant (2).
Genome position (GRCh38, 1-based): chr13:32,340,017, A>G. VCF-style: chr13-32340017-A-G. GRCh37 (hg19) VCF-style: chr13-32914154-A-G.
Other names: c.5662A>G, p.Lys1888Glu (NM_001406719.1, NM_001406720.1, NM_001432077.1); c.1910-4541A>G (NM_001406721.1); c.425-4541A>G (NM_001406722.1); short protein forms K1888E.
Identifiers: ClinVar variation 4856597 (VCV004856597.1).

ClinVar aggregate classification (germline): Likely benign (1 of 4 stars; one submission).

Conditions:
Breast-ovarian cancer, familial, susceptibility to, 2 (BROVCA2). Also called: BRCA2 Hereditary Breast and Ovarian Cancer. Identifiers: Orphanet 145, MedGen C2675520, MONDO:0012933, OMIM 612555. Disease mechanism: loss of function.

gnomAD v4.1: 1 of 1,612,964 alleles (0.000062%); highest among the groups gnomAD compares: South Asian, 0.0011%; no homozygotes.

Submission:

Cancer Bioinformatics and Tumour Evolution Laboratory, Monash University
Classification: Likely benign for Breast-ovarian cancer, familial, susceptibility to, 2. Last evaluated: 2026-05-01. Review status: criteria provided, single submitter. Criteria: ClinGen BRCA1 and BRCA2 Guidelines, 2024. Collection method: curation. Allele origin: germline. Inheritance: Autosomal dominant inheritance.
Comment: Missense variant outside of a functional domain with no splice impact. BRCA1 and BRCA2 VCEP guidelines recommend application of BP1_Strong (PMID: 39142283)